The following is an entry in ClinVar:

NM_000316.3(PTH1R):c.1395+15G>A

Gene: PTH1R (parathyroid hormone 1 receptor; plus strand). Cytogenetic location: 3p21.31.
Variant type: single nucleotide variant.
Coding change: c.1395+15G>A on transcript NM_000316.3 (MANE Select); 15 bases into the intron after coding-DNA position 1395, G replaced by A.
Molecular consequence: intron variant.
Genome position (GRCh38, 1-based): chr3:46,902,805, G>A. VCF-style: chr3-46902805-G-A. GRCh37 (hg19) VCF-style: chr3-46944295-G-A.
Other names: c.1395+15G>A (NM_001184744.1).
Identifiers: ClinVar variation 345597 (VCV000345597.26), dbSNP rs151077141, ClinGen allele CA2359517.

ClinVar aggregate classification (germline): Benign/Likely benign. Review status: criteria provided, multiple submitters, no conflicts (2 of 4 stars). 7 submissions from 6 submitters: Benign (4); Likely benign (3). Last evaluated 2026-01-20.

Conditions:
Primary failure of tooth eruption. Also called: DENTAL NONERUPTION; PRIMARY RETENTION OF TEETH; POSTERIOR OPENBITE MALOCCLUSION, FAMILIAL; UNERUPTED SECOND PRIMARY MOLAR. Identifiers: Orphanet 412206, MedGen C1852222, MONDO:0007434, OMIM 125350.
Chondrodysplasia Blomstrand type (BOCD). Identifiers: Orphanet 50945, MedGen C1859148, MONDO:0008970, OMIM 215045.
Metaphyseal chondrodysplasia, Jansen type. Also called: Metaphyseal chondrodysplasia Murk Jansen type; PTH1R-Related Jansen Metaphyseal Chondrodysplasia. Identifiers: Orphanet 33067, MedGen C0265295, MONDO:0007982, OMIM 156400.
Eiken syndrome (EKNS). Also called: BONE MODELING DEFECT OF HANDS AND FEET. Identifiers: Orphanet 79106, MedGen C1838779, MONDO:0010803, OMIM 600002.

Allele frequency attached by ClinVar (database versions not stated): gnomAD exomes 0.00063 and 0.00186; ExAC 0.00234; 1000 Genomes Project 0.00599; 1000 Genomes Project 30x 0.00671; gnomAD 0.00685 and 0.00747; TOPMed 0.00793; ESP Exome Variant Server 0.00900.
gnomAD v4.1: 1,998 of 1,613,704 alleles (0.12%); highest among the groups gnomAD compares: African/African-American, 2.4%; 16 homozygotes.

Submissions (7):

Labcorp Genetics (formerly Invitae), Labcorp
Classification: Benign. Last evaluated: 2026-01-20. Review status: criteria provided, single submitter. Criteria: Invitae Variant Classification Sherloc (09022015). Collection method: clinical testing. Allele origin: germline.

ARUP Laboratories, Molecular Genetics and Genomics, ARUP Laboratories
Classification: Benign. Last evaluated: 2024-10-28. Review status: criteria provided, single submitter. Criteria: ARUP Molecular Germline Variant Investigation Process 2024. Collection method: clinical testing. Allele origin: germline.

Fulgent Genetics
Classification: Likely benign for Primary failure of tooth eruption; Metaphyseal chondrodysplasia, Jansen type; Chondrodysplasia Blomstrand type; Eiken syndrome. Last evaluated: 2021-07-27. Review status: criteria provided, single submitter. Criteria: ACMG Guidelines, 2015. Collection method: clinical testing. Allele origin: unknown.

GeneDx
Classification: Likely benign. Last evaluated: 2019-03-06. Review status: criteria provided, single submitter. Criteria: GeneDx Variant Classification Process June 2021. Collection method: clinical testing. Allele origin: germline. Affected: yes.

Illumina Laboratory Services, Illumina
Classification: Benign for Chondrodysplasia Blomstrand type. Last evaluated: 2018-01-12. Review status: criteria provided, single submitter. Criteria: ICSL Variant Classification Criteria 13 December 2019. Collection method: clinical testing. Allele origin: germline.
Comment: This variant was observed in the ICSL laboratory as part of a predisposition screen in an ostensibly healthy population. It had not been previously curated by ICSL or reported in the Human Gene Mutation Database (HGMD: prior to June 1st, 2018), and was therefore a candidate for classification through an automated scoring system. Utilizing variant allele frequency, disease prevalence and penetrance estimates, and inheritance mode, an automated score was calculated to assess if this variant is too frequent to cause the disease. Based on the score and internal cut-off values, a variant classified as benign is not then subjected to further curation. The score for this variant resulted in a classification of benign for this disease.

Illumina Laboratory Services, Illumina
Classification: Benign for Metaphyseal chondrodysplasia, Jansen type. Last evaluated: 2018-01-12. Review status: criteria provided, single submitter. Criteria: ICSL Variant Classification Criteria 13 December 2019. Collection method: clinical testing. Allele origin: germline.
Comment: the same text as in the submission from Illumina Laboratory Services, Illumina above.

Breakthrough Genomics
Classification: Likely benign. Review status: criteria provided, single submitter. Criteria: ACMG Guidelines, 2015. Collection method: not provided. Allele origin: germline. Inheritance: Autosomal recessive inheritance. Affected: yes.